The following is an entry in ClinVar:

NM_031407.7(HUWE1):c.1673-12_1673-8del

Gene: HUWE1 (HECT, UBA and WWE domain containing E3 ubiquitin protein ligase 1; minus strand). Cytogenetic location: Xp11.22.
Variant type: Deletion.
Coding change: c.1673-12_1673-8del on transcript NM_031407.7 (MANE Select); 12 bases into the intron before coding-DNA position 1673 through 8 bases into the intron before coding-DNA position 1673, 5 bases deleted (ATCTT; older notation c.1673-12_1673-8delATCTT).
Molecular consequence: intron variant.
Genome position (GRCh38, 1-based): chrX:53,617,454-53,617,458, AAGAT deleted on the plus strand (ATCTT on the coding strand, the reverse complement: HUWE1 is on the minus strand). VCF-style (leftmost placement, unchanged base first): chrX-53617453-AAAGAT-A. GRCh37 (hg19) VCF-style: chrX-53644414-AAAGAT-A.
Identifiers: ClinVar variation 3376318 (VCV003376318.1).

ClinVar aggregate classification (germline): Uncertain significance (1 of 4 stars; one submission).

Conditions:
Intellectual developmental disorder, X-linked, syndromic, Turner type. Also called: Intellectual disability, X-linked syndromic, Turner type; X-linked intellectual disability, Turner type. Identifiers: Orphanet 3056, Orphanet 85328, MedGen C2678046, MONDO:0010407, OMIM 309590.

Submission:

Pittsburgh Clinical Genomics Laboratory, University of Pittsburgh Medical Center
Classification: Uncertain significance for Intellectual developmental disorder, X-linked, syndromic, Turner type. Last evaluated: 2024-03-14. Review status: criteria provided, single submitter. Criteria: ACMG Guidelines, 2015. Collection method: clinical testing. Allele origin: germline. Inheritance: X-linked inheritance. Affected: yes.
Comment: This sequence variant is a five nucleotide deletion (delAAGAT) at positions 1673-12_1673-8 of the coding sequence of the HUWE1 gene. This deletion occurs within the HUWE1 intron 19 acceptor site and substitutes a C for a T base within the polypyrimidine tract. This variant is absent from ClinVar and the gnomAD population database (0 of approximately 150,000 alleles). To our knowledge, this variant has not been observed in an individual affected by a HUWE1-related disorder in the published literature. In silico splice tools provide inconclusive predictions of the impact of this variant, though the introduced C at this position is observed in several mammalian species. Studies examining the functiol consequence of this variant have not been published, to our knowledge. At this time, there is insufficient evidence to determine if this variant is pathogenic or benign. Therefore, we consider this a variant of uncertain significance. ACMG Criteria: PM2